The following is an entry in ClinVar:

ClinVar aggregate classification (germline): Conflicting classifications of pathogenicity. Review status: criteria provided, conflicting classifications (1 of 4 stars). 4 submissions from 4 submitters: Uncertain significance (2); Likely benign (1). 1 of the submissions does not count toward it. Last evaluated 2025-10-23.

Conditions:
Primary ciliary dyskinesia 3. Identifiers: Orphanet 244, MedGen C1837618, MONDO:0012085, OMIM 608644.
Primary ciliary dyskinesia. Also called: Ciliary dyskinesia. Identifiers: Orphanet 244, MedGen C0008780, MONDO:0016575, HP:0012265.

Allele frequency attached by ClinVar (database versions not stated): gnomAD exomes 0.00001 and 0.00002; ExAC 0.00002.

Submissions (4):

Myriad Genetics, Inc.
Classification: Uncertain significance for Primary ciliary dyskinesia 3. Last evaluated: 2025-10-23. Review status: criteria provided, single submitter. Criteria: Myriad Autosomal Dominant, Autosomal Recessive and X-Linked Classification Criteria (2023). Collection method: clinical testing. Allele origin: unknown.
Comment: NM_001369.2(DNAH5):c.8236G>T(V2746L) is a missense variant classified as a variant of uncertain significance in the context of primary ciliary dyskinesia, DNAH5-related. V2746L has not been observed in cases with relevant disease. Relevant functional assessments of this variant are not available in the literature. V2746L has been observed in referenced population frequency databases. In summary, there is insufficient evidence to classify NM_001369.2(DNAH5):c.8236G>T(V2746L) as pathogenic or benign. Please note: this variant was assessed in the context of healthy population screening.

Labcorp Genetics (formerly Invitae), Labcorp
Classification: Likely benign for Primary ciliary dyskinesia. Last evaluated: 2023-11-02. Review status: criteria provided, single submitter. Criteria: Invitae Variant Classification Sherloc (09022015). Collection method: clinical testing. Allele origin: germline.

New York Genome Center
Classification: Uncertain significance for Primary ciliary dyskinesia 3. Last evaluated: 2020-10-02. Review status: criteria provided, single submitter. Criteria: NYGC Assertion Criteria 2020. Collection method: clinical testing. Allele origin: inherited. Observed: 1 compound heterozygote. Study: CSER-NYCKidSeq.
Comment: The inherited c.8236G>T(p.Val2746Leu) missense variant in exon 50 of 79 of DNAH5 has not been reported in affected individuals in the available literature. This variant is absent in gnomADv3indicating it is not a common benign variant in the populations represented in this database. In silico predictors suggest this variant is Neutral (Provean; score: -0.50) and Tolerated (SIFT; score: 0.3). Given the conflicting evidences regarding its pathogenicity, the c.8236G>T(p.Val2746Leu)variant identified in the DNAH5 gene is reported as a Variant of Uncertain Significance.

Natera, Inc.
Classification: Uncertain significance for Primary ciliary dyskinesia. Last evaluated: 2019-10-28. Review status: no assertion criteria provided. Collection method: clinical testing. Allele origin: germline. Not counted in ClinVar's aggregate classification.

NM_001369.3(DNAH5):c.8236G>T (p.Val2746Leu)

Gene: DNAH5 (dynein axonemal heavy chain 5; minus strand). Cytogenetic location: 5p15.2.
Variant type: single nucleotide variant.
Coding change: c.8236G>T on transcript NM_001369.3 (MANE Select); coding-DNA position 8236, G replaced by T.
Protein change: p.Val2746Leu; replaces valine 2746 with leucine.
Molecular consequence: missense variant.
Genome position (GRCh38, 1-based): chr5:13,792,206, C>A on the plus strand (G>T on the coding strand, the complement: DNAH5 is on the minus strand). VCF-style: chr5-13792206-C-A. GRCh37 (hg19) VCF-style: chr5-13792315-C-A.
Other names: short protein forms V2746L.
Identifiers: ClinVar variation 525314 (VCV000525314.15), dbSNP rs773643407, ClinGen allele CA3202856.
Genomic context (GRCh38, chr5:13,792,206, plus strand): 5'-ATTTTGTCACAGAATCTCTCACTTCTTCTGAGAAACCCCTCTGAGTACAGTAGTGGCCTA[C>A]CCCAATCACACCTGAAAAGGGGGAAATTACAGCATTTTGATTAGCCATTCAAAGAAATTA-3'
Protein context (NP_001360.1, residues 2736-2756): SVDKIFGVIG[Val2746Leu]GHYCTQRGFS